The following is an entry in ClinVar:

NM_001197104.2(KMT2A):c.10246C>T (p.Gln3416Ter)

Gene: KMT2A (lysine methyltransferase 2A; plus strand). Cytogenetic location: 11q23.3.
Variant type: single nucleotide variant.
Coding change: c.10246C>T on transcript NM_001197104.2 (MANE Select); coding-DNA position 10246, C replaced by T.
Protein change: p.Gln3416Ter; replaces glutamine 3416 with a stop codon.
Molecular consequence: nonsense.
Genome position (GRCh38, 1-based): chr11:118,506,138, C>T. VCF-style: chr11-118506138-C-T. GRCh37 (hg19) VCF-style: chr11-118376853-C-T.
Other names: c.10336C>T, p.Gln3446Ter (NM_001412597.1); c.10237C>T, p.Gln3413Ter (NM_005933.4); short protein forms Q3446*, Q3413*, Q3416*.
Identifiers: ClinVar variation 3727228 (VCV003727228.2).

ClinVar aggregate classification (germline): Pathogenic (1 of 4 stars; one submission).

Submission:

Labcorp Genetics (formerly Invitae), Labcorp
Classification: Pathogenic. Last evaluated: 2024-12-12. Review status: criteria provided, single submitter. Criteria: Invitae Variant Classification Sherloc (09022015). Collection method: clinical testing. Allele origin: germline.
Comment: This sequence change creates a premature translational stop signal (p.Gln3416*) in the KMT2A gene. It is expected to result in an absent or disrupted protein product. Loss-of-function variants in KMT2A are known to be pathogenic (PMID: 22795537, 25810209, 29574747). This variant is not present in population databases (gnomAD no frequency). This variant has not been reported in the literature in individuals affected with KMT2A-related conditions. For these reasons, this variant has been classified as Pathogenic.

Literature cited by the submitters: PubMed 22795537; PubMed 25810209; PubMed 29574747.